The following is an entry in ClinVar:

NM_205850.3(SLC24A5):c.502T>A (p.Ser168Thr)

Genes: MYEF2 (myelin expression factor 2; minus strand), SLC24A5 (solute carrier family 24 member 5; plus strand). Cytogenetic location: 15q21.1.
Variant type: single nucleotide variant.
Coding change: c.502T>A on transcript NM_205850.3 (MANE Select); coding-DNA position 502, T replaced by A.
Protein change: p.Ser168Thr; replaces serine 168 with threonine.
Molecular consequence: missense variant. On other transcripts: 3 prime UTR variant (2).
Genome position (GRCh38, 1-based): chr15:48,134,896, T>A. VCF-style: chr15-48134896-T-A. GRCh37 (hg19) VCF-style: chr15-48427093-T-A.
Other names: c.*8012A>T (NM_001301210.2, NM_016132.5); short protein forms S168T.
Identifiers: ClinVar variation 1400776 (VCV001400776.5), dbSNP rs752641969, ClinGen allele CA7545900.

ClinVar aggregate classification (germline): Uncertain significance (1 of 4 stars; one submission).

Allele frequency attached by ClinVar (database versions not stated): TOPMed below 0.00001; gnomAD 0.00001; gnomAD exomes 0.00001; ExAC 0.00002.
gnomAD v4.1: 6 of 1,610,810 alleles (0.00037%); highest among the groups gnomAD compares: Admixed American, 0.0017%; no homozygotes.

Submission:

Labcorp Genetics (formerly Invitae), Labcorp
Classification: Uncertain significance. Last evaluated: 2021-10-07. Review status: criteria provided, single submitter. Criteria: Invitae Variant Classification Sherloc (09022015). Collection method: clinical testing. Allele origin: germline.
Comment: In summary, the available evidence is currently insufficient to determine the role of this variant in disease. Therefore, it has been classified as a Variant of Uncertain Significance. Algorithms developed to predict the effect of missense changes on protein structure and function (SIFT, PolyPhen-2, Align-GVGD) all suggest that this variant is likely to be tolerated. This variant has not been reported in the literature in individuals affected with SLC24A5-related conditions. This variant is present in population databases (rs752641969, ExAC 0.009%). This sequence change replaces serine with threonine at codon 168 of the SLC24A5 protein (p.Ser168Thr). The serine residue is moderately conserved and there is a small physicochemical difference between serine and threonine.